The following is an entry in ClinVar:

ClinVar aggregate classification (germline): Likely pathogenic. Review status: criteria provided, single submitter (1 of 4 stars). 2 submissions from 2 submitters: Likely pathogenic (1). 1 of the submissions does not count toward it. Last evaluated 2025-12-11.

Conditions:
Familial thoracic aortic aneurysm and aortic dissection (TAAD). Also called: Thoracic aortic aneurysms and dissections. Identifiers: Orphanet 91387, MedGen C4707243, MONDO:0019625.
Ehlers-Danlos syndrome, type 4 (EDSVASC). Also called: Ehlers-Danlos syndrome vascular type; Ehlers Danlos syndrome, ecchymotic type; Ehlers Danlos syndrome, arterial type; Ehlers Danlos syndrome, Sack-Barabas type; Ehlers-Danlos Syndrome Type IV. Identifiers: Orphanet 286, MedGen C0268338, MONDO:0017314, OMIM 130050.

Submissions (2):

Ambry Genetics
Classification: Likely pathogenic for Familial thoracic aortic aneurysm and aortic dissection. Last evaluated: 2025-12-11. Review status: criteria provided, single submitter. Criteria: Ambry Variant Classification Scheme 2023. Collection method: clinical testing. Allele origin: germline.
Comment: The p.G225V variant (also known as c.674G>T), located in coding exon 8 of the COL3A1 gene, results from a G to T substitution at nucleotide position 674. The glycine at codon 225 is replaced by valine, an amino acid with dissimilar properties. The majority (approximately two-thirds) ofCOL3A1mutations identified to date have involved the substitution of another amino acid for glycine within the triple-helical domain (Pepin MG et al.Genet Med. 2014;16(12):881-8; Frank M et al.Eur J Hum Genet. 2015;23(12):1657-64).This variant was reported in individual(s) with features consistent with COL3A1-related Ehlers-Danlos syndrome (Ambry internal data). Internal structural analysis has demonstrated that this alteration disrupts the characteristic G-X-Y motif in theCOL3A1protein and inserts a bulky side chain into asterically-constrainedregion (Bella J et al.Science.1994;266:75-81;HohenesterE et al.Proc. Natl.Acad. Sci. U.S.A.2008;105:18273-7; Ambry internal data). This amino acid position is highly conserved in available vertebrate species. In addition, this alteration is predicted to be deleterious by in silico analysis. This variant is considered to be rare based on population cohorts in the Genome Aggregation Database (gnomAD). Based on the majority of available evidence to date, this variant is likely to be pathogenic.

Collagen Diagnostic Laboratory, University of Washington
Classification: Pathogenic for Ehlers-Danlos syndrome, type 4. Review status: no assertion criteria provided. Collection method: clinical testing. Allele origin: germline. Affected: yes. Not counted in ClinVar's aggregate classification.

Literature cited by the submitters: PubMed 10706896 (cited by Collagen Diagnostic Laboratory, University of Washington).

NM_000090.4(COL3A1):c.674G>T (p.Gly225Val)

Gene: COL3A1 (collagen type III alpha 1 chain; plus strand). Cytogenetic location: 2q32.2.
Variant type: single nucleotide variant.
Coding change: c.674G>T on transcript NM_000090.4 (MANE Select); coding-DNA position 674, G replaced by T.
Protein change: p.Gly225Val; replaces glycine 225 with valine.
Molecular consequence: missense variant.
Genome position (GRCh38, 1-based): chr2:188,989,433, G>T. VCF-style: chr2-188989433-G-T. GRCh37 (hg19) VCF-style: chr2-189854159-G-T.
Identifiers: ClinVar variation 101236 (VCV000101236.3), dbSNP rs587779533, ClinGen allele CA007242.